The following is an entry in ClinVar:

ClinVar aggregate classification (germline): Uncertain significance. Review status: criteria provided, multiple submitters, no conflicts (2 of 4 stars). 4 submissions from 4 submitters: Uncertain significance (4). Last evaluated 2025-08-23.

Conditions:
Inborn genetic diseases. Identifiers: MedGen C0950123, MeSH D030342.

Allele frequency attached by ClinVar (database versions not stated): gnomAD 0.00001; TOPMed 0.00002; gnomAD exomes 0.00003 and 0.00005; ExAC 0.00004.
gnomAD v4.1: 77 of 1,613,942 alleles (0.0048%); highest among the groups gnomAD compares: Middle Eastern, 0.16%; no homozygotes.

Submissions (4):

Ambry Genetics
Classification: Uncertain significance for Inborn genetic diseases. Last evaluated: 2025-08-23. Review status: criteria provided, single submitter. Criteria: Ambry Variant Classification Scheme 2023. Collection method: clinical testing. Allele origin: germline.

Labcorp Genetics (formerly Invitae), Labcorp
Classification: Uncertain significance. Last evaluated: 2024-01-22. Review status: criteria provided, single submitter. Criteria: Invitae Variant Classification Sherloc (09022015). Collection method: clinical testing. Allele origin: germline.
Comment: This sequence change replaces asparagine, which is neutral and polar, with histidine, which is basic and polar, at codon 3340 of the FAT4 protein (p.Asn3340His). This variant is present in population databases (rs772182074, gnomAD 0.007%). This variant has not been reported in the literature in individuals affected with FAT4-related conditions. ClinVar contains an entry for this variant (Variation ID: 1199742). Advanced modeling of protein sequence and biophysical properties (such as structural, functional, and spatial information, amino acid conservation, physicochemical variation, residue mobility, and thermodynamic stability) performed at Invitae indicates that this missense variant is not expected to disrupt FAT4 protein function with a negative predictive value of 80%. In summary, the available evidence is currently insufficient to determine the role of this variant in disease. Therefore, it has been classified as a Variant of Uncertain Significance.

Blueprint Genetics
Classification: Uncertain significance. Last evaluated: 2021-08-13. Review status: criteria provided, single submitter. Criteria: ACMG Guidelines, 2015. Collection method: clinical testing. Allele origin: germline.

GeneDx
Classification: Uncertain significance. Last evaluated: 2021-02-22. Review status: criteria provided, single submitter. Criteria: GeneDx Variant Classification Process June 2021. Collection method: clinical testing. Allele origin: germline. Affected: yes.
Comment: Not observed at a significant frequency in large population cohorts (Lek et al., 2016); In silico analysis supports that this missense variant does not alter protein structure/function; Has not been previously published as pathogenic or benign to our knowledge; In silico analysis, which includes splice predictors and evolutionary conservation, suggests this variant may impact gene splicing. In the absence of RNA/functional studies, the actual effect of this sequence change is unknown.

NM_001291303.3(FAT4):c.10024A>C (p.Asn3342His)

Gene: FAT4 (FAT atypical cadherin 4; plus strand). Cytogenetic location: 4q28.1.
Variant type: single nucleotide variant.
Coding change: c.10024A>C on transcript NM_001291303.3 (MANE Select); coding-DNA position 10024, A replaced by C.
Protein change: p.Asn3342His; replaces asparagine 3342 with histidine.
Molecular consequence: missense variant.
Genome position (GRCh38, 1-based): chr4:125,451,034, A>C. VCF-style: chr4-125451034-A-C. GRCh37 (hg19) VCF-style: chr4-126372189-A-C.
Other names: c.10024A>C, p.Asn3342His (NM_001291285.3); c.10018A>C, p.Asn3340His (NM_024582.6); short protein forms N3340H, N3342H.
Identifiers: ClinVar variation 1199742 (VCV001199742.9), dbSNP rs772182074, ClinGen allele CA3073619.